The following is an entry in ClinVar:

ClinVar aggregate classification (germline): Conflicting classifications of pathogenicity. Review status: criteria provided, conflicting classifications (1 of 4 stars). 10 submissions from 7 submitters: Uncertain significance (4); Benign (3); Likely benign (3). Last evaluated 2026-01-24.

Conditions:
Autosomal recessive cerebellar ataxia. Also called: Spinocerebellar Ataxia, Recessive; Spinocerebellar ataxia, autosomal recessive. Identifiers: Orphanet 1172, MedGen C5575375, MONDO:0015244.
Hereditary spastic paraplegia. Also called: Familial spastic paraparesis. Identifiers: Orphanet 685, MedGen C0037773, MONDO:0019064. Disease mechanism: loss of function.
Infantile onset spinocerebellar ataxia (MTDPS7). Also called: Mitochondrial DNA depletion syndrome 7 (hepatocerebral type); OPHTHALMOPLEGIA, HYPOTONIA, ATAXIA, HYPOACUSIS, AND ATHETOSIS; OHAHA SYNDROME; SPINOCEREBELLAR ATAXIA, INFANTILE, WITH SENSORY NEUROPATHY. Identifiers: Orphanet 1186, MedGen C1849096, MONDO:0010060, OMIM 271245.
Sensory ataxic neuropathy, dysarthria, and ophthalmoparesis (SANDO). Also called: Epilepsy, progressive myoclonic, type 5; Sensory ataxic neuropathy-dysarthria-ophthalmoparesis syndrome; Ataxia Neuropathy Spectrum (ANS); SENSORY ATAXIC NEUROPATHY WITH MITOCHONDRIAL DNA DELETIONS, AUTOSOMAL RECESSIVE. Identifiers: Orphanet 70595, MedGen C1843851, MONDO:0011835, OMIM 607459.
Progressive external ophthalmoplegia with mitochondrial DNA deletions, autosomal dominant 3. Also called: PROGRESSIVE EXTERNAL OPHTHALMOPLEGIA, AUTOSOMAL DOMINANT 3. Identifiers: MedGen C1836439, MONDO:0012241, OMIM 609286.

Allele frequency attached by ClinVar (database versions not stated): gnomAD exomes 0.00007 and 0.00012; ExAC 0.00012; ESP Exome Variant Server 0.00023; gnomAD 0.00045; TOPMed 0.00045; 1000 Genomes Project 30x 0.00062; 1000 Genomes Project 0.00080.
gnomAD v4.1: 191 of 1,613,780 alleles (0.012%); highest among the groups gnomAD compares: Middle Eastern, 0.2%; no homozygotes.

Submissions (10):

Labcorp Genetics (formerly Invitae), Labcorp
Classification: Benign. Last evaluated: 2026-01-24. Review status: criteria provided, single submitter. Criteria: Invitae Variant Classification Sherloc (09022015). Collection method: clinical testing. Allele origin: germline.

Blueprint Genetics
Classification: Likely benign. Last evaluated: 2024-10-10. Review status: criteria provided, single submitter. Criteria: ACMG Guidelines, 2015. Collection method: clinical testing. Allele origin: germline.

CeGaT Center for Human Genetics Tuebingen
Classification: Likely benign. Last evaluated: 2023-01-01. Review status: criteria provided, single submitter. Criteria: CeGaT Center For Human Genetics Tuebingen Variant Classification Criteria Version 2. Collection method: clinical testing. Allele origin: germline. Affected: yes. Observed: 1 variant allele.
Comment: TWNK: BP4, BP7

GeneDx
Classification: Likely benign. Last evaluated: 2020-06-15. Review status: criteria provided, single submitter. Criteria: GeneDx Variant Classification Process June 2021. Collection method: clinical testing. Allele origin: germline. Affected: yes.

Illumina Laboratory Services, Illumina
Classification: Benign for Sensory ataxic neuropathy-dysarthria-ophthalmoparesis syndrome. Last evaluated: 2018-01-13. Review status: criteria provided, single submitter. Criteria: ICSL Variant Classification Criteria 13 December 2019. Collection method: clinical testing. Allele origin: germline.
Comment: This variant was observed in the ICSL laboratory as part of a predisposition screen in an ostensibly healthy population. It had not been previously curated by ICSL or reported in the Human Gene Mutation Database (HGMD: prior to June 1st, 2018), and was therefore a candidate for classification through an automated scoring system. Utilizing variant allele frequency, disease prevalence and penetrance estimates, and inheritance mode, an automated score was calculated to assess if this variant is too frequent to cause the disease. Based on the score and internal cut-off values, a variant classified as benign is not then subjected to further curation. The score for this variant resulted in a classification of benign for this disease.

Illumina Laboratory Services, Illumina
Classification: Uncertain significance for Autosomal recessive cerebellar ataxia. Last evaluated: 2018-01-13. Review status: criteria provided, single submitter. Criteria: ICSL Variant Classification Criteria 13 December 2019. Collection method: clinical testing. Allele origin: germline.

Illumina Laboratory Services, Illumina
Classification: Uncertain significance for Infantile onset spinocerebellar ataxia. Last evaluated: 2018-01-13. Review status: criteria provided, single submitter. Criteria: ICSL Variant Classification Criteria 13 December 2019. Collection method: clinical testing. Allele origin: germline.

Illumina Laboratory Services, Illumina
Classification: Benign for Progressive external ophthalmoplegia with mitochondrial DNA deletions, autosomal dominant 3. Last evaluated: 2018-01-13. Review status: criteria provided, single submitter. Criteria: ICSL Variant Classification Criteria 13 December 2019. Collection method: clinical testing. Allele origin: germline.
Comment: the same text as in the submission from Illumina Laboratory Services, Illumina above.

Genome Diagnostics Laboratory, The Hospital for Sick Children
Classification: Uncertain significance for Hereditary spastic paraplegia. Last evaluated: 2016-12-12. Review status: criteria provided, single submitter. Criteria: ACMG Guidelines, 2015. Collection method: clinical testing. Allele origin: germline. Affected: yes.

Eurofins Ntd Llc (ga)
Classification: Uncertain significance. Last evaluated: 2015-06-17. Review status: criteria provided, single submitter. Criteria: EGL Classification Definitions 2015. Collection method: clinical testing. Allele origin: germline. Observed: 1 variant allele, 1 heterozygote.

NM_021830.5(TWNK):c.384C>T (p.Ser128=)

Gene: TWNK (twinkle mtDNA helicase; plus strand). Cytogenetic location: 10q24.31.
Variant type: single nucleotide variant.
Coding change: c.384C>T on transcript NM_021830.5 (MANE Select); coding-DNA position 384, C replaced by T.
Protein change: p.Ser128=; no amino-acid change (serine 128 retained).
Molecular consequence: synonymous variant. On other transcripts: non-coding transcript variant (4), intron variant (3).
Genome position (GRCh38, 1-based): chr10:100,988,594, C>T. VCF-style: chr10-100988594-C-T. GRCh37 (hg19) VCF-style: chr10-102748351-C-T.
Other names: c.384C>T, p.Ser128= (NM_001163812.2); c.-120+981C>T (NM_001163814.2, NM_001163813.2); c.-58+981C>T (NM_001368275.1).
Identifiers: ClinVar variation 281415 (VCV000281415.48), dbSNP rs148234280, ClinGen allele CA5653057.